The following is an entry in ClinVar:

ClinVar aggregate classification (germline): Uncertain significance (1 of 4 stars; one submission).

Conditions:
Neuronal ceroid lipofuscinosis 1 (CLN1). Also called: PPT1-Related Neuronal Ceroid-Lipofuscinosis; CEROID LIPOFUSCINOSIS, NEURONAL, 1, VARIABLE AGE AT ONSET. Identifiers: Orphanet 228329, MedGen C1850451, MONDO:0009744, OMIM 256730.

gnomAD v4.1: 1 of 1,610,724 alleles (0.000062%); highest among the groups gnomAD compares: South Asian, 0.0011%; no homozygotes.

Submission:

Labcorp Genetics (formerly Invitae), Labcorp
Classification: Uncertain significance for Neuronal ceroid lipofuscinosis 1. Last evaluated: 2020-02-06. Review status: criteria provided, single submitter. Criteria: Invitae Variant Classification Sherloc (09022015). Collection method: clinical testing. Allele origin: germline.
Comment: In summary, the available evidence is currently insufficient to determine the role of this variant in disease. Therefore, it has been classified as a Variant of Uncertain Significance. Algorithms developed to predict the effect of sequence changes on RNA splicing suggest that this variant may disrupt the consensus splice site, but this prediction has not been confirmed by published transcriptional studies. This variant has not been reported in the literature in individuals with PPT1-related conditions. This variant is not present in population databases (ExAC no frequency). This sequence change falls in intron 3 of the PPT1 gene. It does not directly change the encoded amino acid sequence of the PPT1 protein.

NM_000310.4(PPT1):c.363-5C>G

Gene: PPT1 (palmitoyl-protein thioesterase 1; minus strand). Cytogenetic location: 1p34.2.
Variant type: single nucleotide variant.
Coding change: c.363-5C>G on transcript NM_000310.4 (MANE Select); 5 bases into the intron before coding-DNA position 363, C replaced by G.
Molecular consequence: intron variant.
Genome position (GRCh38, 1-based): chr1:40,091,404, G>C on the plus strand (C>G on the coding strand, the complement: PPT1 is on the minus strand). VCF-style: chr1-40091404-G-C. GRCh37 (hg19) VCF-style: chr1-40557076-G-C.
Other names: c.125-1892C>G (NM_001142604.2); c.363-5C>G (NM_001363695.2).
Identifiers: ClinVar variation 1043700 (VCV001043700.9), dbSNP rs112553480, ClinGen allele CA1164251473.
Genomic context (GRCh38, chr1:40,091,404, plus strand): 5'-CAACCGAGATCAGATTGATCATGGGAGGTGAAGGGCATCTCTGAGCCACTGCCCTCCTAC[G>C]GAATAAAAGGGAGTTTTAGCTCCGACTGTCAGATGGAAATGTATCATCCACAATCAGCAT-3'